The following is an entry in ClinVar:

NM_005670.4(EPM2A):c.824C>T (p.Ala275Val)

Gene: EPM2A (EPM2A glucan phosphatase, laforin; minus strand). Cytogenetic location: 6q24.3.
Variant type: single nucleotide variant.
Coding change: c.824C>T on transcript NM_005670.4 (MANE Select); coding-DNA position 824, C replaced by T.
Protein change: p.Ala275Val; replaces alanine 275 with valine.
Molecular consequence: missense variant. On other transcripts: synonymous variant (1), non-coding transcript variant (1).
Genome position (GRCh38, 1-based): chr6:145,627,588, G>A on the plus strand (C>T on the coding strand, the complement: EPM2A is on the minus strand). VCF-style: chr6-145627588-G-A. GRCh37 (hg19) VCF-style: chr6-145948724-G-A.
Other names: c.824C>T, p.Ala275Val (NM_001018041.2); c.582C>T, p.Arg194= (NM_001360057.2); c.410C>T, p.Ala137Val (NM_001360064.2, NM_001360071.2, NM_001368131.1); c.362C>T, p.Ala121Val (NM_001368129.2, NM_001368132.1); c.824C>T (NM_005670.3); short protein forms A121V, A275V, A137V.
Identifiers: ClinVar variation 1034932 (VCV001034932.7), dbSNP rs1027738243, ClinGen allele CA149183261.

ClinVar aggregate classification (germline): Uncertain significance. Review status: criteria provided, multiple submitters, no conflicts (2 of 4 stars). 2 submissions from 2 submitters: Uncertain significance (2). Last evaluated 2024-02-17.

Conditions:
Progressive myoclonic epilepsy. Also called: Familial progressive myoclonic epilepsy; Myoclonic Epilepsies, Progressive; Myoclonus epilepsy; Progressive myoclonus epilepsy. Identifiers: Orphanet 308, Orphanet 98261, MedGen C0751778, MONDO:0020074.

Allele frequency attached by ClinVar (database versions not stated): gnomAD 0.00001; gnomAD exomes 0.00001 and 0.00003; TOPMed 0.00001.
gnomAD v4.1: 44 of 1,614,092 alleles (0.0027%); highest among the groups gnomAD compares: Non-Finnish European, 0.0035%; no homozygotes.

Submissions (2):

Labcorp Genetics (formerly Invitae), Labcorp
Classification: Uncertain significance for Progressive myoclonic epilepsy. Last evaluated: 2024-02-17. Review status: criteria provided, single submitter. Criteria: Invitae Variant Classification Sherloc (09022015). Collection method: clinical testing. Allele origin: germline.
Comment: This sequence change replaces alanine, which is neutral and non-polar, with valine, which is neutral and non-polar, at codon 275 of the EPM2A protein (p.Ala275Val). The frequency data for this variant in the population databases is considered unreliable, as metrics indicate poor data quality at this position in the gnomAD database. This variant has not been reported in the literature in individuals affected with EPM2A-related conditions. Advanced modeling of protein sequence and biophysical properties (such as structural, functional, and spatial information, amino acid conservation, physicochemical variation, residue mobility, and thermodynamic stability) has been performed at Invitae for this missense variant, however the output from this modeling did not meet the statistical confidence thresholds required to predict the impact of this variant on EPM2A protein function. In summary, the available evidence is currently insufficient to determine the role of this variant in disease. Therefore, it has been classified as a Variant of Uncertain Significance.

GeneDx
Classification: Uncertain significance. Last evaluated: 2024-01-07. Review status: criteria provided, single submitter. Criteria: GeneDx Variant Classification Process June 2021. Collection method: clinical testing. Allele origin: germline. Affected: yes.
Comment: Not observed at significant frequency in large population cohorts (gnomAD); In silico analysis supports that this missense variant does not alter protein structure/function; Has not been previously published as pathogenic or benign to our knowledge